The following is an entry in ClinVar:

ClinVar aggregate classification (germline): Uncertain risk allele (1 of 4 stars; one submission).

Conditions:
Pancreatic hypoplasia. Identifiers: MedGen C0266267, HP:0002594.

Allele frequency attached by ClinVar (database versions not stated): gnomAD exomes below 0.00001; gnomAD 0.00001; TOPMed 0.00001.
gnomAD v4.1: 9 of 1,548,344 alleles (0.00058%); highest among the groups gnomAD compares: Non-Finnish European, 0.00035%; no homozygotes.

Submission:

Clinical Genomics, Uppaluri K&H Personalized Medicine Clinic
Classification: Uncertain risk allele for Pancreatic hypoplasia. Review status: criteria provided, single submitter. Criteria: K & H Uppaluri Personalized Medicine Clinic Variant Classification & Assertion Criteria_Updated V.1. Collection method: research. Allele origin: unknown. Inheritance: Autosomal recessive inheritance.
Comment: Potent homozygous mutations in the PDX1 gene can lead to pancreatic agenesis/pancreatic hypoplasia and neonatal diabetes mellitus. However no sufficient evidence is found to ascertain the role of this particular variant rs1457762802, yet.

Literature cited by the submitters: PubMed 31366392; PubMed 19855005; PubMed 29396371; PubMed 28436541; PubMed 27386488; PubMed 19817786.

NM_000209.4(PDX1):c.82T>G (p.Phe28Val)

Gene: PDX1 (pancreatic and duodenal homeobox 1; plus strand). Cytogenetic location: 13q12.2.
Variant type: single nucleotide variant.
Coding change: c.82T>G on transcript NM_000209.4 (MANE Select); coding-DNA position 82, T replaced by G.
Protein change: p.Phe28Val; replaces phenylalanine 28 with valine.
Molecular consequence: missense variant.
Genome position (GRCh38, 1-based): chr13:27,920,220, T>G. VCF-style: chr13-27920220-T-G. GRCh37 (hg19) VCF-style: chr13-28494357-T-G.
Other names: short protein forms F28V.
Identifiers: ClinVar variation 1801836 (VCV001801836.1), dbSNP rs1457762802, ClinGen allele CA387643773.